The following is an entry in ClinVar:

ClinVar aggregate classification (germline): Pathogenic/Likely pathogenic. Review status: criteria provided, multiple submitters, no conflicts (2 of 4 stars). 2 submissions from 2 submitters: Pathogenic (1); Likely pathogenic (1). Last evaluated 2025-04-08.

Conditions:
Usher syndrome type 1F (USH1F). Also called: USHER SYNDROME, TYPE IF. Identifiers: Orphanet 231169, Orphanet 886, MedGen C1865885, MONDO:0011186, OMIM 602083.
Autosomal recessive nonsyndromic hearing loss 23. Identifiers: Orphanet 90636, MedGen C1836027, MONDO:0012293, OMIM 609533.

Submissions (2):

Hereditary Deafness Genetic Testing Group, The First Affiliated Hospital of Zhengzhou University
Classification: Likely pathogenic for Usher syndrome type 1F. Last evaluated: 2025-04-08. Review status: criteria provided, single submitter. Criteria: ACMG Guidelines, 2015. Collection method: clinical testing. Allele origin: germline. Affected: yes.

Institute of Rare Diseases, West China Hospital, Sichuan University
Classification: Pathogenic for Autosomal recessive nonsyndromic hearing loss 23. Last evaluated: 2025-01-09. Review status: criteria provided, single submitter. Criteria: ClinGen HL ACMG Specifications v1. Collection method: research. Allele origin: germline. Affected: yes.
Comment: PVS1;PM3_Strong;PP1;PM2_Supporting

Literature cited by the submitters: PubMed 40542191 (cited by Hereditary Deafness Genetic Testing Group, The First Affiliated Hospital of Zhengzhou University).

NM_001384140.1(PCDH15):c.4671+1429_4671+1432dup

Gene: PCDH15 (protocadherin related 15; minus strand). Cytogenetic location: 10q21.1.
Variant type: Duplication.
Coding change: c.4671+1429_4671+1432dup on transcript NM_001384140.1 (MANE Select); bases 1429 to 1432 of the intron after coding-DNA position 4671, 4 bases duplicated (ATCA; older notation c.4671+1429_4671+1432dupATCA).
Molecular consequence: intron variant. On other transcripts: frameshift variant (2), 3 prime UTR variant (1).
Genome position (GRCh38, 1-based): chr10:53,809,124-53,809,127, TGAT duplicated on the plus strand (ATCA on the coding strand, the reverse complement: PCDH15 is on the minus strand); duplicating any 4 consecutive bases within chr10:53,809,124-53,809,128 gives the same sequence; the c. name uses the placement nearest the transcript's 3' end. VCF-style (leftmost placement, unchanged base first): chr10-53809123-C-CTGAT. GRCh37 (hg19) VCF-style: chr10-55568883-C-CTGAT.
Other names: c.4937_4940dup, p.Glu1648Ilefs (NM_001142769.4); c.*353_*356dup (NM_001142770.3); c.4917_4920dup, p.Glu1641fs (NM_001354411.2); c.4476+1429_4476+1432dup (NM_001354420.2); c.4605+1429_4605+1432dup (NM_001354429.2); c.4482+1429_4482+1432dup (NM_001142772.2); c.4497+1429_4497+1432dup (NM_001142771.2); short protein forms E1641fs, E1648fs.
Identifiers: ClinVar variation 3601626 (VCV003601626.2).